The following is an entry in ClinVar:

NM_012210.4(TRIM32):c.1143T>G (p.Ser381Arg)

Genes: ASTN2 (astrotactin 2; minus strand), TRIM32 (tripartite motif containing 32; plus strand). Cytogenetic location: 9q33.1.
Variant type: single nucleotide variant.
Coding change: c.1143T>G on transcript NM_012210.4 (MANE Select); coding-DNA position 1143, T replaced by G.
Protein change: p.Ser381Arg; replaces serine 381 with arginine.
Molecular consequence: missense variant. On other transcripts: intron variant (3).
Genome position (GRCh38, 1-based): chr9:116,698,885, T>G. VCF-style: chr9-116698885-T-G. GRCh37 (hg19) VCF-style: chr9-119461164-T-G.
Other names: c.1143T>G, p.Ser381Arg (NM_001099679.2, NM_001379048.1, NM_001379049.1 and 1 more transcripts); c.2653+26886A>C (NM_014010.5); c.2794+26886A>C (NM_001365069.1); c.2806+26886A>C (NM_001365068.1); short protein forms S381R.
Identifiers: ClinVar variation 1328822 (VCV001328822.9), dbSNP rs1861027670, ClinGen allele CA374651047.

ClinVar aggregate classification (germline): Uncertain significance. Review status: criteria provided, multiple submitters, no conflicts (2 of 4 stars). 2 submissions from 2 submitters: Uncertain significance (2). Last evaluated 2021-08-12.

Conditions:
Bardet-Biedl syndrome (BBS). Identifiers: Orphanet 110, MedGen C0752166, MONDO:0015229.

Allele frequency attached by ClinVar (database versions not stated): gnomAD exomes below 0.00001; TOPMed 0.00001.
gnomAD v4.1: 3 of 1,614,200 alleles (0.00019%); highest among the groups gnomAD compares: South Asian, 0.0022%; no homozygotes.

Submissions (2):

Labcorp Genetics (formerly Invitae), Labcorp
Classification: Uncertain significance for Bardet-Biedl syndrome. Last evaluated: 2021-08-12. Review status: criteria provided, single submitter. Criteria: Invitae Variant Classification Sherloc (09022015). Collection method: clinical testing. Allele origin: germline.
Comment: This variant has not been reported in the literature in individuals with TRIM32-related conditions. In summary, the available evidence is currently insufficient to determine the role of this variant in disease. Therefore, it has been classified as a Variant of Uncertain Significance. Algorithms developed to predict the effect of missense changes on protein structure and function (SIFT, PolyPhen-2, Align-GVGD) all suggest that this variant is likely to be tolerated, but these predictions have not been confirmed by published functional studies and their clinical significance is uncertain. This variant is not present in population databases (ExAC no frequency). This sequence change replaces serine with arginine at codon 381 of the TRIM32 protein (p.Ser381Arg). The serine residue is moderately conserved and there is a moderate physicochemical difference between serine and arginine.

GeneDx
Classification: Uncertain significance. Last evaluated: 2021-06-15. Review status: criteria provided, single submitter. Criteria: GeneDx Variant Classification Process June 2021. Collection method: clinical testing. Allele origin: germline. Affected: yes.